The following is an entry in ClinVar:

NM_007294.4(BRCA1):c.1423A>T (p.Ser475Cys)

Gene: BRCA1 (BRCA1 DNA repair associated; minus strand). Cytogenetic location: 17q21.31.
Variant type: single nucleotide variant.
Coding change: c.1423A>T on transcript NM_007294.4 (MANE Select); coding-DNA position 1423, A replaced by T.
Protein change: p.Ser475Cys; replaces serine 475 with cysteine.
Molecular consequence: missense variant. On other transcripts: intron variant (137).
Genome position (GRCh38, 1-based): chr17:43,094,108, T>A on the plus strand (A>T on the coding strand, the complement: BRCA1 is on the minus strand). VCF-style: chr17-43094108-T-A. GRCh37 (hg19) VCF-style: chr17-41246125-T-A.
Other names: c.1420A>T, p.Ser474Cys (NM_001407615.1, NM_001407627.1, NM_001407628.1 and 22 more transcripts); c.1423A>T, p.Ser475Cys (NM_001407616.1, NM_001407617.1, NM_001407618.1 and 30 more transcripts); c.1414A>T, p.Ser472Cys (NM_001407646.1, NM_001407647.1); c.1300A>T, p.Ser434Cys (NM_001407648.1, NM_001407664.1, NM_001407665.1 and 19 more transcripts); c.1297A>T, p.Ser433Cys (NM_001407649.1, NM_001407670.1, NM_001407671.1 and 11 more transcripts); c.1345A>T, p.Ser449Cys (NM_001407653.1, NM_001407654.1, NM_001407655.1 and 4 more transcripts); c.1342A>T, p.Ser448Cys (NM_001407659.1, NM_001407660.1, NM_001407661.1 and 1 more transcripts); c.1282A>T, p.Ser428Cys (NM_001407692.1, NM_001407694.1, NM_001407695.1 and 29 more transcripts); and 40 more; short protein forms S475C, S428C, S347C, S348C, S387C, S434C, S179C, S386C.
Identifiers: ClinVar variation 419692 (VCV000419692.22), dbSNP rs1064794047, ClinGen allele CA10599200.

ClinVar aggregate classification (germline): Conflicting classifications of pathogenicity. Review status: criteria provided, conflicting classifications (1 of 4 stars). 5 submissions from 5 submitters: Uncertain significance (3); Likely benign (2). Last evaluated 2025-11-05.

Conditions:
Hereditary cancer-predisposing syndrome. Also called: Hereditary neoplastic syndrome; Tumor predisposition; Neoplastic Syndromes, Hereditary; Hereditary Cancer Syndrome. Identifiers: Orphanet 140162, MedGen C0027672, MeSH D009386, MONDO:0015356.
Hereditary breast ovarian cancer syndrome. Also called: Hereditary breast and ovarian cancer; Hereditary breast and/or ovarian cancer syndrome; Hereditary breast and ovarian cancer syndrome; Hereditary breast and ovarian cancer syndrome (HBOC); Breast and ovarian cancer; BRCA1- and BRCA2-Associated Hereditary Breast and Ovarian Cancer. Identifiers: Orphanet 145, MedGen C0677776, MeSH D061325, MONDO:0003582. Disease mechanism: loss of function.

Allele frequency attached by ClinVar (database versions not stated): gnomAD exomes below 0.00001; gnomAD 0.00001; TOPMed 0.00001.

Submissions (5):

Labcorp Genetics (formerly Invitae), Labcorp
Classification: Likely benign for Hereditary breast ovarian cancer syndrome. Last evaluated: 2025-11-05. Review status: criteria provided, single submitter. Criteria: Invitae Variant Classification Sherloc (09022015). Collection method: clinical testing. Allele origin: germline.

Women's Health and Genetics/Laboratory Corporation of America, LabCorp
Classification: Uncertain significance. Last evaluated: 2024-09-03. Review status: criteria provided, single submitter. Criteria: LabCorp Variant Classification Summary - May 2015. Collection method: clinical testing. Allele origin: germline.
Comment: Variant summary: BRCA1 c.1423A>T (p.Ser475Cys) results in a non-conservative amino acid change located in the BRCA1, serine-rich domain (IPR025994) of the encoded protein sequence. Four of five in-silico tools predict a damaging effect of the variant on protein function. The variant was absent in 251284 control chromosomes. The available data on variant occurrences in the general population are insufficient to allow any conclusion about variant significance. c.1423A>T has been reported in the literature in at least one individual with a personal or family history of Breast Cancer (Flower_2015). These report(s) do not provide unequivocal conclusions about association of the variant with Hereditary Breast And Ovarian Cancer Syndrome. To our knowledge, no experimental evidence demonstrating an impact on protein function has been reported. The following publication has been ascertained in the context of this evaluation (PMID: 26727311). ClinVar contains an entry for this variant (Variation ID: 419692). Based on the evidence outlined above, the variant was classified as uncertain significance.

Ambry Genetics
Classification: Uncertain significance for Hereditary cancer-predisposing syndrome. Last evaluated: 2024-08-30. Review status: criteria provided, single submitter. Criteria: Ambry Variant Classification Scheme 2023. Collection method: clinical testing. Allele origin: germline.
Comment: The p.S475C variant (also known as c.1423A>T), located in coding exon 9 of the BRCA1 gene, results from an A to T substitution at nucleotide position 1423. The serine at codon 475 is replaced by cysteine, an amino acid with dissimilar properties. This amino acid position is not well conserved in available vertebrate species. In addition, this alteration is predicted to be deleterious by in silico analysis. Since supporting evidence is limited at this time, the clinical significance of this alteration remains unclear.

University of Washington Department of Laboratory Medicine, University of Washington
Classification: Likely benign for Hereditary cancer-predisposing syndrome. Last evaluated: 2023-03-23. Review status: criteria provided, single submitter. Criteria: Dines et al. (Genet Med. 2020). Collection method: curation. Allele origin: germline.
Comment: Missense variant in a coldspot region where missense variants are very unlikely to be pathogenic (PMID:31911673).

BRCA1 coldspot (exon 11 using historical exon numbering). Reclassification based on statistical prior probability

GeneDx
Classification: Uncertain significance. Last evaluated: 2019-09-06. Review status: criteria provided, single submitter. Criteria: GeneDx Variant Classification Process June 2021. Collection method: clinical testing. Allele origin: germline. Affected: yes.
Comment: Not observed in large population cohorts (Lek 2016); In silico analysis, which includes protein predictors and evolutionary conservation, supports a deleterious effect; Observed in individuals with a personal or family history including breast cancer (Flower 2015); This variant is associated with the following publications: (PMID: 21702907, 26727311)

Literature cited by the submitters: PubMed 26727311 (cited by Women's Health and Genetics/Laboratory Corporation of America, LabCorp and Ambry Genetics).